The following is an entry in ClinVar:

ClinVar aggregate classification (germline): Uncertain significance (1 of 4 stars; one submission).

Conditions:
Inborn genetic diseases. Identifiers: MedGen C0950123, MeSH D030342.

Submission:

Ambry Genetics
Classification: Uncertain significance for Inborn genetic diseases. Last evaluated: 2026-06-08. Review status: criteria provided, single submitter. Criteria: Ambry Variant Classification Scheme 2023. Collection method: clinical testing. Allele origin: germline.
Comment: The p.I241T variant (also known as c.722T>C), located in coding exon 3 of the FANCM gene, results from a T to C substitution at nucleotide position 722. The isoleucine at codon 241 is replaced by threonine, an amino acid with similar properties. This amino acid position is conserved. In addition, the in silico prediction for this alteration is inconclusive. Based on the available evidence, the clinical significance of this variant remains unclear.

NM_020937.4(FANCM):c.722T>C (p.Ile241Thr)

Gene: FANCM (FA complementation group M; plus strand). Cytogenetic location: 14q21.2.
Variant type: single nucleotide variant.
Coding change: c.722T>C on transcript NM_020937.4 (MANE Select); coding-DNA position 722, T replaced by C.
Protein change: p.Ile241Thr; replaces isoleucine 241 with threonine.
Molecular consequence: missense variant. On other transcripts: intron variant (1).
Genome position (GRCh38, 1-based): chr14:45,140,672, T>C. VCF-style: chr14-45140672-T-C. GRCh37 (hg19) VCF-style: chr14-45609875-T-C.
Other names: c.722T>C, p.Ile241Thr (NM_001308134.2); c.681+3431T>C (NM_001308133.2); short protein forms I241T.
Identifiers: ClinVar variation 4871184 (VCV004871184.1).